The following is an entry in ClinVar:

ClinVar aggregate classification (germline): Likely benign (1 of 4 stars; one submission).

Allele frequency attached by ClinVar (database versions not stated): 1000 Genomes Project 30x 0.00172; 1000 Genomes Project 0.00200; ESP Exome Variant Server 0.00269; TOPMed 0.00305; gnomAD 0.00352; gnomAD exomes 0.00433; ExAC 0.00463.
gnomAD v4.1: 6,938 of 1,613,794 alleles (0.43%); highest among the groups gnomAD compares: Middle Eastern, 2%; 47 homozygotes.

Submission:

CeGaT Center for Human Genetics Tuebingen
Classification: Likely benign. Last evaluated: 2023-03-01. Review status: criteria provided, single submitter. Criteria: CeGaT Center For Human Genetics Tuebingen Variant Classification Criteria Version 2. Collection method: clinical testing. Allele origin: germline. Affected: yes. Observed: 1 variant allele.
Comment: SDK1: BP4, BS2

NM_152744.4(SDK1):c.6252-5C>T

Gene: SDK1 (sidekick cell adhesion molecule 1; plus strand). Cytogenetic location: 7p22.2.
Variant type: single nucleotide variant.
Coding change: c.6252-5C>T on transcript NM_152744.4 (MANE Select); 5 bases into the intron before coding-DNA position 6252, C replaced by T.
Molecular consequence: intron variant.
Genome position (GRCh38, 1-based): chr7:4,245,671, C>T. VCF-style: chr7-4245671-C-T. GRCh37 (hg19) VCF-style: chr7-4285303-C-T.
Other names: c.1713-5C>T (NM_001079653.2).
Identifiers: ClinVar variation 2657255 (VCV002657255.24), dbSNP rs149321114, ClinGen allele CA4136108.